The following is an entry in ClinVar:

NM_001267550.2(TTN):c.76070G>A (p.Arg25357His)

Genes: TTN-AS1 (TTN antisense RNA 1; plus strand), TTN (titin; minus strand). Cytogenetic location: 2q31.2.
Variant type: single nucleotide variant.
Coding change: c.76070G>A on transcript NM_001267550.2 (MANE Select); coding-DNA position 76070, G replaced by A.
Protein change: p.Arg25357His; replaces arginine 25357 with histidine.
Molecular consequence: missense variant.
Genome position (GRCh38, 1-based): chr2:178,570,062, C>T on the plus strand (G>A on the coding strand, the complement: TTN is on the minus strand). VCF-style: chr2-178570062-C-T. GRCh37 (hg19) VCF-style: chr2-179434789-C-T.
Other names: c.68366G>A, p.Arg22789His (NM_133378.4); c.71147G>A, p.Arg23716His (NM_001256850.1); c.48875G>A, p.Arg16292His (NM_003319.4); c.49250G>A, p.Arg16417His (NM_133432.3); c.49451G>A, p.Arg16484His (NM_133437.4); short protein forms R25357H, R22789H, R23716H, R16484H, R16292H, R16417H.
Identifiers: ClinVar variation 47342 (VCV000047342.12), dbSNP rs397517703, ClinGen allele CA140740.

ClinVar aggregate classification (germline): Conflicting classifications of pathogenicity. Review status: criteria provided, conflicting classifications (1 of 4 stars). 5 submissions from 5 submitters: Uncertain significance (4); Likely benign (1). Last evaluated 2026-04-03.

Conditions:
TTN-related disorder. Also called: TTN-related condition; TTN-related disease; TTN-related disorders.
Autosomal recessive limb-girdle muscular dystrophy type 2J (LGMDR10). Also called: Limb-girdle muscular dystrophy, type 2J; MUSCULAR DYSTROPHY, LIMB-GIRDLE, AUTOSOMAL RECESSIVE 10. Identifiers: Orphanet 140922, MedGen C1837342, MONDO:0012127, OMIM 608807.
Dilated cardiomyopathy 1G (CMD1G). Identifiers: Orphanet 154, MedGen C1858763, MONDO:0011400, OMIM 604145.

Allele frequency attached by ClinVar (database versions not stated): gnomAD 0.00002; gnomAD exomes 0.00003; TOPMed 0.00003; ExAC 0.00004.
gnomAD v4.1: 29 of 1,613,256 alleles (0.0018%); highest among the groups gnomAD compares: Admixed American, 0.0033%; no homozygotes.

Submissions (5):

PreventionGenetics, part of Exact Sciences
Classification: Uncertain significance for TTN-related condition. Last evaluated: 2026-04-03. Review status: criteria provided, single submitter. Criteria: ACMG Guidelines, 2015. Collection method: clinical testing. Allele origin: germline.
Comment: The TTN c.76070G>A variant is predicted to result in the amino acid substitution p.Arg25357His. To our knowledge, this variant has not been reported in the literature. This variant is reported in 0.0062% of alleles in individuals of European (Non-Finnish) descent in gnomAD. At this time, the clinical significance of this variant is uncertain due to the absence of conclusive functional and genetic evidence.

Women's Health and Genetics/Laboratory Corporation of America, LabCorp
Classification: Uncertain significance. Last evaluated: 2021-07-19. Review status: criteria provided, single submitter. Criteria: LabCorp Variant Classification Summary - May 2015. Collection method: clinical testing. Allele origin: germline.
Comment: Variant summary: TTN c.68366G>A (p.Arg22789His) results in a non-conservative amino acid change located in the A-band region of the encoded protein sequence. Three of five in-silico tools predict a damaging effect of the variant on protein function. The variant allele was found at a frequency of 3.2e-05 in 248156 control chromosomes (gnomAD). The available data on variant occurrences in the general population are insufficient to allow any conclusion about variant significance. To our knowledge, no occurrence of c.68366G>A in individuals affected with Cardiomyopathy and no experimental evidence demonstrating its impact on protein function have been reported in the literature. One ClinVar submitter (evaluation after 2014) cites the variant as likely benign while another ClinVar submitter (evaluation after 2014) cites it as uncertain significance. A different ClinVar submitter (evaluation before 2014) cited evidence of the variant identified in 1 child with HCM and RCM tested by their laboratory, who also carried another de novo variant sufficient to explain disease (SCV000064303.6). Based on the evidence outlined above, the variant was classified as uncertain significance until additional evidence of clinical and/or functional importance becomes available.

GeneDx
Classification: Likely benign. Last evaluated: 2018-09-10. Review status: criteria provided, single submitter. Criteria: GeneDx Variant Classification Process June 2021. Collection method: clinical testing. Allele origin: germline. Affected: yes.

Labcorp Genetics (formerly Invitae), Labcorp
Classification: Uncertain significance for Dilated cardiomyopathy 1G; Autosomal recessive limb-girdle muscular dystrophy type 2J. Last evaluated: 2016-12-09. Review status: criteria provided, single submitter. Criteria: Invitae Variant Classification Sherloc (09022015). Collection method: clinical testing. Allele origin: germline.

Laboratory for Molecular Medicine, Mass General Brigham Personalized Medicine
Classification: Uncertain significance. Last evaluated: 2012-09-21. Review status: criteria provided, single submitter. Criteria: LMM Criteria. Collection method: clinical testing. Allele origin: germline. Observed: 2 variant alleles.
Comment: Variant classified as Uncertain Significance - Favor Benign. Arginine (Arg) at position 22789 is n ot completely conserved in mammals and several mammals (guinea pig, armadillo, s loth) carry a histidine (His, this variant) despite high nearby amino acid conse rvation, suggesting that this change may be tolerated. Additional computational analyses (biochemical amino acid properties, AlignGVGD, and PolyPhen2) suggest t hat this variant may not impact the protein, though this information is not pred ictive enough to rule out pathogenicity. In summary, the available data suggests that this variant is more likely benign, but additional studies are needed to f ully assess its clinical significance.